The following is an entry in ClinVar:

NM_000161.3(GCH1):c.750C>T (p.Ser250=)

Gene: GCH1 (GTP cyclohydrolase 1; minus strand). Cytogenetic location: 14q22.2.
Variant type: single nucleotide variant.
Coding change: c.750C>T on transcript NM_000161.3 (MANE Select); coding-DNA position 750, C replaced by T.
Protein change: p.Ser250=; no amino-acid change (serine 250 retained).
Molecular consequence: synonymous variant. On other transcripts: intron variant (3).
Genome position (GRCh38, 1-based): chr14:54,844,020, G>A on the plus strand (C>T on the coding strand, the complement: GCH1 is on the minus strand). VCF-style: chr14-54844020-G-A. GRCh37 (hg19) VCF-style: chr14-55310738-G-A.
Other names: c.750C>T, p.Ser250= (NM_001024024.2); c.456C>T, p.Ser152= (NM_001424105.1); c.510-966C>T (NM_001424104.1); c.627-966C>T (NM_001024071.2); c.627-151C>T (NM_001024070.2).
Identifiers: ClinVar variation 2937916 (VCV002937916.3), dbSNP rs2039600418, ClinGen allele CA486482157.

ClinVar aggregate classification (germline): Uncertain significance (1 of 4 stars; one submission).

Conditions:
GTP cyclohydrolase I deficiency. Identifiers: MedGen C0268467, MONDO:0100184.
Dystonia 5 (DRD). Also called: DYSTONIA, PROGRESSIVE, WITH DIURNAL VARIATION; DYSTONIA-PARKINSONISM WITH DIURNAL FLUCTUATION; Dystonia, DOPA-responsive, with or without hyperphenylalaninemia; GTP Cyclohydrolase 1-Deficient Dopa-Responsive Dystonia; DYT-GCH1. Identifiers: Orphanet 98808, MedGen C1851920, MONDO:0007495, OMIM 128230.

Allele frequency attached by ClinVar (database versions not stated): TOPMed below 0.00001.
gnomAD v4.1: 1 of 1,614,148 alleles (0.000062%); no homozygotes.

Submission:

Labcorp Genetics (formerly Invitae), Labcorp
Classification: Uncertain significance for GTP cyclohydrolase I deficiency; Dystonia 5. Last evaluated: 2023-06-27. Review status: criteria provided, single submitter. Criteria: Invitae Variant Classification Sherloc (09022015). Collection method: clinical testing. Allele origin: germline.
Comment: This variant has not been reported in the literature in individuals affected with GCH1-related conditions. This variant is not present in population databases (gnomAD no frequency). This sequence change affects codon 250 of the GCH1 mRNA. It is a 'silent' change, meaning that it does not change the encoded amino acid sequence of the GCH1 protein. Algorithms developed to predict the effect of sequence changes on RNA splicing suggest that this variant may disrupt the consensus splice site. In summary, the available evidence is currently insufficient to determine the role of this variant in disease. Therefore, it has been classified as a Variant of Uncertain Significance.